The following is an entry in ClinVar:

ClinVar aggregate classification (germline): Pathogenic (1 of 4 stars; one submission).

Conditions:
Glycogen storage disease, type V (GSD5). Also called: MCARDLE DISEASE; MUSCLE GLYCOGEN PHOSPHORYLASE DEFICIENCY; MYOPHOSPHORYLASE DEFICIENCY; PYGM DEFICIENCY; McArdle type glycogen storage disease. Identifiers: Orphanet 368, MedGen C0017924, MONDO:0009293, OMIM 232600.

Submission:

Myriad Genetics, Inc.
Classification: Pathogenic for Glycogen storage disease, type V. Last evaluated: 2024-05-14. Review status: criteria provided, single submitter. Criteria: Myriad Autosomal Dominant, Autosomal Recessive and X-Linked Classification Criteria (2023). Collection method: clinical testing. Allele origin: unknown.
Comment: NM_005609.2(PYGM):c.974_975ins17(N326Vfs*6) is expected to be pathogenic in the context of glycogen storage disease, PYGM-related. This variant is predicted to lead to an abnormal or absent protein product due to the creation of a premature termination codon in PYGM, a gene where loss-of-function variants are known to be pathogenic. Please note: this variant was assessed in the context of healthy population screening.

NM_005609.4(PYGM):c.974_975insTGTGGATTGTGAATCCT (p.Asn326fs)

Gene: PYGM (glycogen phosphorylase, muscle associated; minus strand). Cytogenetic location: 11q13.1.
Variant type: Insertion.
Coding change: c.974_975insTGTGGATTGTGAATCCT on transcript NM_005609.4 (MANE Select); coding-DNA positions 974 to 975, TGTGGATTGTGAATCCT inserted.
Protein change: p.Asn326fs; shifts the reading frame from asparagine 326.
Molecular consequence: frameshift variant.
Genome position: GRCh38 VCF-style: chr11-64754717-C-CAGGATTCACAATCCACA. GRCh37 (hg19) VCF-style: chr11-64522189-C-CAGGATTCACAATCCACA.
Other names: c.710_711insTGTGGATTGTGAATCCT, p.Asn238fs (NM_001164716.1); short protein forms N238fs, N326fs.
Identifiers: ClinVar variation 5016391 (VCV005016391.1).
Genomic context (GRCh38, chr11:64,754,717, plus strand): 5'-GTCCGGTCACAGAGTCGCCCTCCACACGCATGGTACCTTATCTGGGAAGGCATCGAAGTT[C>CAGGATTCACAATCCACA]GTGCGCACGGGATCACGGCAGCCGAACTTGGAAGACTTGAAGCGACGGATGATGTCCTGG-3'